The following is an entry in ClinVar:

ClinVar aggregate classification (germline): Uncertain significance (1 of 4 stars; one submission).

gnomAD v4.1: 1 of 1,211,509 alleles (0.000083%); highest among the groups gnomAD compares: East Asian, 0.003%; no homozygotes.

Submission:

GeneDx
Classification: Uncertain significance. Last evaluated: 2024-03-27. Review status: criteria provided, single submitter. Criteria: GeneDx Variant Classification Process June 2021. Collection method: clinical testing. Allele origin: germline. Affected: yes.
Comment: Has not been previously published as pathogenic or benign to our knowledge; Not observed at significant frequency in large population cohorts (gnomAD); In silico analysis supports that this missense variant does not alter protein structure/function

NM_012310.5(KIF4A):c.3323T>C (p.Val1108Ala)

Gene: KIF4A (kinesin family member 4A; plus strand). Cytogenetic location: Xq13.1.
Variant type: single nucleotide variant.
Coding change: c.3323T>C on transcript NM_012310.5 (MANE Select); coding-DNA position 3323, T replaced by C.
Protein change: p.Val1108Ala; replaces valine 1108 with alanine.
Molecular consequence: missense variant.
Genome position (GRCh38, 1-based): chrX:70,417,955, T>C. VCF-style: chrX-70417955-T-C. GRCh37 (hg19) VCF-style: chrX-69637805-T-C.
Other names: short protein forms V1108A.
Identifiers: ClinVar variation 3371740 (VCV003371740.1).
Genomic context (GRCh38, chrX:70,417,955, plus strand): 5'-GCAAGGGCTGGTGTGGAAACAAGCAGTGTGGGTGCAGGAAGCAAAAGTCAGACTGTGGTG[T>C]GGACTGTTGCTGTGACCCCACAAAGTGTCGGAACCGCCAGCAAGGCAAGGTAGGATCAGG-3'
Protein context (NP_036442.3, residues 1098-1118): GCRKQKSDCG[Val1108Ala]DCCCDPTKCR